The following is an entry in ClinVar:

NM_004281.4(BAG3):c.96_97del (p.Gln33fs)

Gene: BAG3 (BAG cochaperone 3; plus strand). Cytogenetic location: 10q26.11.
Variant type: Deletion.
Coding change: c.96_97del on transcript NM_004281.4 (MANE Select); coding-DNA positions 96 to 97, 2 bases deleted (GC; older notation c.96_97delGC).
Protein change: p.Gln33fs; shifts the reading frame from glutamine 33.
Molecular consequence: frameshift variant.
Genome position (GRCh38, 1-based): chr10:119,651,771-119,651,772, GC deleted; deleting any 2 consecutive bases within chr10:119,651,770-119,651,772 gives the same sequence; the c. name uses the placement nearest the transcript's 3' end. VCF-style (leftmost placement, unchanged base first): chr10-119651769-CCG-C. GRCh37 (hg19) VCF-style: chr10-121411281-CCG-C.
Other names: short protein forms Q33fs.
Identifiers: ClinVar variation 2007830 (VCV002007830.4), dbSNP rs2493979814, ClinGen allele CA2580082464.

ClinVar aggregate classification (germline): Pathogenic (1 of 4 stars; one submission).

Conditions:
Dilated cardiomyopathy 1HH (CMD1HH). Identifiers: Orphanet 154, MedGen C3151293, MONDO:0013479, OMIM 613881.
Myofibrillar myopathy 6. Identifiers: Orphanet 199340, MedGen C2751831, MONDO:0013061, OMIM 612954.

Submission:

Labcorp Genetics (formerly Invitae), Labcorp
Classification: Pathogenic for Dilated cardiomyopathy 1HH; Myofibrillar myopathy 6. Last evaluated: 2025-06-07. Review status: criteria provided, single submitter. Criteria: Invitae Variant Classification Sherloc (09022015). Collection method: clinical testing. Allele origin: germline.
Comment: This sequence change creates a premature translational stop signal (p.Gln33Aspfs*24) in the BAG3 gene. It is expected to result in an absent or disrupted protein product. Loss-of-function variants in BAG3 are known to be pathogenic (PMID: 21353195, 25008357). This variant is not present in population databases (gnomAD no frequency). This variant has not been reported in the literature in individuals affected with BAG3-related conditions. ClinVar contains an entry for this variant (Variation ID: 2007830). For these reasons, this variant has been classified as Pathogenic.

Literature cited by the submitters: PubMed 21353195; PubMed 25008357.